The following is an entry in ClinVar:

NM_002485.5(NBN):c.721_722insGCCGGGCGCGGTGGCTCACGCCTGTAATCCCAGCACTTTGGGAGGCCGAGGCGGGCGGATCACGNNNNNNNNNNAAAAAAAAAAAAAAAAAAAAAAGAAATTGAGTTCCG (p.Ala241delinsGlyArgAlaArgTrpLeuThrProValIleProAlaLeuTrpGluAlaGluAlaGlyGlySerArgXaaXaaXaaLysLysLysLysLysLysLysArgAsnTer)

Gene: NBN (nibrin; minus strand). Cytogenetic location: 8q21.3.
Variant type: Insertion.
Coding change: c.721_722insGCCGGGCGCGGTGGCTCACGCCTGTAATCCCAGCACTTTGGGAGGCCGAGGCGGGCGGATCACGNNNNNNNNNNAAAAAAAAAAAAAAAAAAAAAAGAAATTGAGTTCCG on transcript NM_002485.5 (MANE Select); coding-DNA positions 721 to 722, GCCGGGCGCGGTGGCTCACGCCTGTAATCCCAGCACTTTGGGAGGCCGAGGCGGGCGGATCACGNNNNNNNNNNAAAAAAAAAAAAAAAAAAAAAAGAAATTGAGTTCCG inserted.
Protein change: p.Ala241delinsGlyArgAlaArgTrpLeuThrProValIleProAlaLeuTrpGluAlaGluAlaGlyGlySerArgXaaXaaXaaLysLysLysLysLysLysLysArgAsnTer.
Molecular consequence: nonsense.
Genome position: GRCh38: chr8:89,970,554-89,970,555. GRCh37 (hg19): chr8:90,982,782-90,982,783.
Other names: c.475_476insGCCGGGCGCGGTGGCTCACGCCTGTAATCCCAGCACTTTGGGAGGCCGAGGCGGGCGGATCACGNNNNNNNNNNAAAAAAAAAAAAAAAAAAAAAAGAAATTGAGTTCCG, p.Ala159delinsGlyArgAlaArgTrpLeuThrProValIleProAlaLeuTrpGluAlaGluAlaGlyGlySerArgXaaXaaXaaLysLysLysLysLysLysLysArgAsnTer (NM_001024688.3).
Identifiers: ClinVar variation 2003488 (VCV002003488.4), dbSNP rs2488311222.

ClinVar aggregate classification (germline): Pathogenic (1 of 4 stars; one submission).

Conditions:
Microcephaly, normal intelligence and immunodeficiency (NBS). Also called: BERLIN BREAKAGE SYNDROME; Immunodeficiency, microcephaly with normal intelligence; Ataxia telangiectasia variant V1; Nijmegen breakage syndrome; Microcephaly with normal intelligence immunodeficiency and lymphoreticular malignancies; Nonsyndromal microcephaly autosomal recessive with normal intelligence. Identifiers: Orphanet 647, MedGen C0398791, MONDO:0009623, OMIM 251260.

Submission:

Labcorp Genetics (formerly Invitae), Labcorp
Classification: Pathogenic for Microcephaly, normal intelligence and immunodeficiency. Last evaluated: 2022-06-08. Review status: criteria provided, single submitter. Criteria: Invitae Variant Classification Sherloc (09022015). Collection method: clinical testing. Allele origin: germline.
Comment: For these reasons, this variant has been classified as Pathogenic. Retrotransposon insertions including LINE1 (L1), Alu, and SVA (SINE-VNTR-Alu) have been reported to be disease-causing through disruption of either a coding region or splice site (PMID: 19763152, 20307669, 22406018) and loss-of-function variants in NBN are known to be pathogenic (PMID: 9590180, 16415040). Algorithms developed to predict the effect of sequence changes on RNA splicing suggest that this variant may disrupt the consensus splice site. This variant has not been reported in the literature in individuals affected with NBN-related conditions. This variant is not present in population databases (gnomAD no frequency). This sequence change inserts a large fragment of DNA, likely a transposable element, in exon 7 of the NBN gene (c.721_722ins?), causing a frameshift at codon 241 (p.Ala241fs). The exact size and sequence of the insertion cannot be determined by the current assay. However, the insertion is expected to result in an absent or disrupted protein product.

Literature cited by the submitters: PubMed 19763152; PubMed 20307669; PubMed 22406018; PubMed 9590180; PubMed 16415040.